The following is an entry in ClinVar:

NM_203446.3(SYNJ1):c.-42A>G

Gene: SYNJ1 (synaptojanin 1; minus strand). Cytogenetic location: 21q22.11.
Variant type: single nucleotide variant.
Coding change: c.-42A>G on transcript NM_203446.3 (MANE Select); 42 bases upstream of the start codon, A replaced by G.
Molecular consequence: 5 prime UTR variant. On other transcripts: missense variant (1).
Genome position (GRCh38, 1-based): chr21:32,727,965, T>C on the plus strand (A>G on the coding strand, the complement: SYNJ1 is on the minus strand). VCF-style: chr21-32727965-T-C. GRCh37 (hg19) VCF-style: chr21-34100276-T-C.
Other names: c.76A>G, p.Arg26Gly (NM_003895.4); short protein forms R26G.
Identifiers: ClinVar variation 544546 (VCV000544546.10), dbSNP rs988950141, ClinGen allele CA319437508.

ClinVar aggregate classification (germline): Uncertain significance. Review status: criteria provided, multiple submitters, no conflicts (2 of 4 stars). 4 submissions from 4 submitters: Uncertain significance (4). Last evaluated 2026-05-13.

Conditions:
Developmental and epileptic encephalopathy, 53. Also called: Epileptic encephalopathy, early infantile, 53. Identifiers: MedGen C4479313, MONDO:0033362, OMIM 617389.
Early-onset Parkinson disease 20. Also called: PARKINSON DISEASE 20, AUTOSOMAL RECESSIVE EARLY-ONSET. Identifiers: Orphanet 391411, MedGen C3809824, MONDO:0014233, OMIM 615530.
SYNJ1-related disorder. Also called: SYNJ1-related condition.
Inborn genetic diseases. Identifiers: MedGen C0950123, MeSH D030342.

Allele frequency attached by ClinVar (database versions not stated): gnomAD 0.00006; gnomAD exomes 0.00006; TOPMed 0.00008.
gnomAD v4.1: 86 of 1,534,056 alleles (0.0056%); highest among the groups gnomAD compares: Admixed American, 0.012%; no homozygotes.

Submissions (4):

PreventionGenetics, part of Exact Sciences
Classification: Uncertain significance for SYNJ1-related condition. Last evaluated: 2026-05-13. Review status: criteria provided, single submitter. Criteria: ACMG Guidelines, 2015. Collection method: clinical testing. Allele origin: germline.
Comment: The SYNJ1 c.76A>G variant is predicted to result in the amino acid substitution p.Arg26Gly. To our knowledge, this variant has not been reported in the literature. This variant is reported in 0.012% of alleles in individuals of Latino descent in gnomAD. At this time, the clinical significance of this variant is uncertain due to the absence of conclusive functional and genetic evidence.

GeneDx
Classification: Uncertain significance. Last evaluated: 2026-02-04. Review status: criteria provided, single submitter. Criteria: GeneDx Variant Classification Process June 2021. Collection method: clinical testing. Allele origin: germline.
Comment: In silico analysis suggests that this missense variant does not alter protein structure/function; Has not been previously published as pathogenic or benign to our knowledge

Ambry Genetics
Classification: Uncertain significance for Inborn genetic diseases. Last evaluated: 2024-01-17. Review status: criteria provided, single submitter. Criteria: Ambry Variant Classification Scheme 2023. Collection method: clinical testing. Allele origin: germline.

Labcorp Genetics (formerly Invitae), Labcorp
Classification: Uncertain significance for Developmental and epileptic encephalopathy, 53; Early-onset Parkinson disease 20. Last evaluated: 2022-09-01. Review status: criteria provided, single submitter. Criteria: Invitae Variant Classification Sherloc (09022015). Collection method: clinical testing. Allele origin: germline.
Comment: This sequence change replaces arginine, which is basic and polar, with glycine, which is neutral and non-polar, at codon 26 of the SYNJ1 protein (p.Arg26Gly). This variant is present in population databases (no rsID available, gnomAD 0.01%). This variant has not been reported in the literature in individuals affected with SYNJ1-related conditions. ClinVar contains an entry for this variant (Variation ID: 544546). Algorithms developed to predict the effect of missense changes on protein structure and function are either unavailable or do not agree on the potential impact of this missense change (SIFT: "Deleterious"; PolyPhen-2: "Probably Damaging"; Align-GVGD: "Class C0"). In summary, the available evidence is currently insufficient to determine the role of this variant in disease. Therefore, it has been classified as a Variant of Uncertain Significance.